The following is an entry in ClinVar:

ClinVar aggregate classification (germline): Uncertain significance (1 of 4 stars; one submission).

Submission:

Ambry Genetics
Classification: Uncertain significance. Last evaluated: 2022-05-21. Review status: criteria provided, single submitter. Criteria: Ambry Variant Classification Scheme 2023. Collection method: clinical testing. Allele origin: germline.
Comment: The p.D226E variant (also known as c.678C>G), located in coding exon 1 of the PALLD gene, results from a C to G substitution at nucleotide position 678. The aspartic acid at codon 226 is replaced by glutamic acid, an amino acid with highly similar properties. This amino acid position is conserved. In addition, this alteration is predicted to be tolerated by in silico analysis. Since supporting evidence is limited at this time, the clinical significance of this alteration remains unclear.

NM_001166108.2(PALLD):c.678C>G (p.Asp226Glu)

Gene: PALLD (palladin, cytoskeletal associated protein; plus strand). Cytogenetic location: 4q32.3.
Variant type: single nucleotide variant.
Coding change: c.678C>G on transcript NM_001166108.2 (MANE Select); coding-DNA position 678, C replaced by G.
Protein change: p.Asp226Glu; replaces aspartic acid 226 with glutamic acid.
Molecular consequence: missense variant.
Genome position (GRCh38, 1-based): chr4:168,512,182, C>G. VCF-style: chr4-168512182-C-G. GRCh37 (hg19) VCF-style: chr4-169433333-C-G.
Other names: c.678C>G, p.Asp226Glu (NM_016081.4); short protein forms D226E.
Identifiers: ClinVar variation 1755422 (VCV001755422.2), dbSNP rs7673220, ClinGen allele CA358727877.
Genomic context (GRCh38, chr4:168,512,182, plus strand): 5'-TCCTAAAAATCAGCCGTCAGCCCTGCTGAGTGCCTCAGCCAGCCAGAGCCCTATGGAAGA[C>G]CAAGGGGAGATGGAAAGAGAGGTCAAGTCCCCTGGGGCCAGGCATTGCTACCAGGACAAC-3'
Protein context (NP_001159580.1, residues 216-236): SASASQSPME[Asp226Glu]QGEMEREVKS